The following is an entry in ClinVar:

NM_006096.4(NDRG1):c.1053_1082dup (p.Gly369_Ala370insThrArgSerArgSerHisThrSerGluGly)

Gene: NDRG1 (N-myc downstream regulated 1; minus strand). Cytogenetic location: 8q24.22.
Variant type: Duplication.
Coding change: c.1053_1082dup on transcript NM_006096.4 (MANE Select); coding-DNA positions 1053 to 1082, 30 bases duplicated (AAGCCGCTCCCACACCAGCGAGGGCACCCG).
Protein change: p.Gly369_Ala370insThrArgSerArgSerHisThrSerGluGly.
Molecular consequence: inframe insertion.
Genome position (GRCh38, 1-based): chr8:133,238,981-133,239,010, CGGGTGCCCTCGCTGGTGTGGGAGCGGCTT duplicated on the plus strand (AAGCCGCTCCCACACCAGCGAGGGCACCCG on the coding strand, the reverse complement: NDRG1 is on the minus strand); duplicating any 30 consecutive bases within chr8:133,238,981-133,239,039 gives the same sequence; the c. name uses the placement nearest the transcript's 3' end. VCF-style (leftmost placement, unchanged base first): chr8-133238980-G-GCGGGTGCCCTCGCTGGTGTGGGAGCGGCTT. GRCh37 (hg19) VCF-style: chr8-134251223-G-GCGGGTGCCCTCGCTGGTGTGGGAGCGGCTT.
Other names: c.855_884dup, p.Gly303_Ala304insThrArgSerArgSerHisThrSerGluGly (NM_001374847.1, NM_001258432.2); c.1053_1082dup, p.Gly369_Ala370insThrArgSerArgSerHisThrSerGluGly (NM_001135242.2, NM_001374845.1, NM_001374846.1); c.810_839dup, p.Gly288_Ala289insThrArgSerArgSerHisThrSerGluGly (NM_001258433.2); c.1104_1133dup, p.Gly386_Ala387insThrArgSerArgSerHisThrSerGluGly (NM_001374844.1); c.1053_1082dup (NM_006096.3).
Identifiers: ClinVar variation 3629236 (VCV003629236.3).
Genomic context (GRCh38, chr8:133,238,980, plus strand): 5'-AGCAGCACCCGAGTTGGGGGTGATGTCCAGGTGGGCCCCCTCGCTGGTGTGCGAGCGGCT[G>GCGGGTGCCCTCGCTGGTGTGGGAGCGGCTT]CGGGTGCCCTCGCTGGTGTGGGAGCGGCTTCGGGTGCCCTCGCTGGTGTGGGAGCGGCTG-3'

ClinVar aggregate classification (germline): Uncertain significance. Review status: criteria provided, multiple submitters, no conflicts (2 of 4 stars). 2 submissions from 2 submitters: Uncertain significance (2). Last evaluated 2025-06-10.

Conditions:
Charcot-Marie-Tooth disease type 4. Also called: Charcot-Marie-Tooth disease, type IV; Charcot-Marie-Tooth, Type 4. Identifiers: Orphanet 64749, MedGen C4082197, MONDO:0018995.

Submissions (2):

Athena Diagnostics
Classification: Uncertain significance. Last evaluated: 2025-06-10. Review status: criteria provided, single submitter. Criteria: Athena Diagnostics Criteria. Collection method: clinical testing. Allele origin: unknown.
Comment: Available data are insufficient to determine the clinical significance of the variant at this time. The frequency of this variant in the general population is uninformative in assessment of its pathogenicity. Computational tools yielded predictions that this variant is unlikely to have an effect on normal RNA splicing.

Labcorp Genetics (formerly Invitae), Labcorp
Classification: Uncertain significance for Charcot-Marie-Tooth disease type 4. Last evaluated: 2024-03-26. Review status: criteria provided, single submitter. Criteria: Invitae Variant Classification Sherloc (09022015). Collection method: clinical testing. Allele origin: germline.
Comment: This variant, c.1053_1082dup, results in the insertion of 10 amino acid(s) of the NDRG1 protein (p.Thr360_Gly369dup), but otherwise preserves the integrity of the reading frame. This variant is not present in population databases (gnomAD no frequency). This variant has not been reported in the literature in individuals affected with NDRG1-related conditions. Experimental studies and prediction algorithms are not available or were not evaluated, and the functional significance of this variant is currently unknown. In summary, the available evidence is currently insufficient to determine the role of this variant in disease. Therefore, it has been classified as a Variant of Uncertain Significance.